The following is an entry in ClinVar:

ClinVar aggregate classification (germline): Uncertain significance. Review status: criteria provided, multiple submitters, no conflicts (2 of 4 stars). 3 submissions from 3 submitters: Uncertain significance (3). Last evaluated 2025-11-16.

Conditions:
ABCG8-related disorder. Also called: ABCG8-related condition.
Cardiovascular phenotype. Identifiers: MedGen CN230736.

Allele frequency attached by ClinVar (database versions not stated): gnomAD exomes below 0.00001; TOPMed below 0.00001; gnomAD 0.00001.
gnomAD v4.1: 17 of 1,613,952 alleles (0.0011%); highest among the groups gnomAD compares: Non-Finnish European, 0.0014%; no homozygotes.

Submissions (3):

PreventionGenetics, part of Exact Sciences
Classification: Uncertain significance for ABCG8-related condition. Last evaluated: 2025-11-16. Review status: criteria provided, single submitter. Criteria: ACMG Guidelines, 2015. Collection method: clinical testing. Allele origin: germline.
Comment: The ABCG8 c.1852G>A variant is predicted to result in the amino acid substitution p.Gly618Arg. To our knowledge, this variant has not been reported in the literature. This variant is reported in 0.0015% of alleles in individuals of European (Non-Finnish) descent in gnomAD. At this time, the clinical significance of this variant is uncertain due to the absence of conclusive functional and genetic evidence.

Ambry Genetics
Classification: Uncertain significance for Cardiovascular phenotype. Last evaluated: 2024-07-28. Review status: criteria provided, single submitter. Criteria: Ambry Variant Classification Scheme 2023. Collection method: clinical testing. Allele origin: germline.
Comment: The p.G618R variant (also known as c.1852G>A), located in coding exon 12 of the ABCG8 gene, results from a G to A substitution at nucleotide position 1852. The glycine at codon 618 is replaced by arginine, an amino acid with dissimilar properties. This amino acid position is conserved. In addition, the in silico prediction for this alteration is inconclusive. Since supporting evidence is limited at this time, the clinical significance of this alteration remains unclear.

Eurofins Ntd Llc (ga)
Classification: Uncertain significance. Last evaluated: 2018-07-24. Review status: criteria provided, single submitter. Criteria: EGL ClinVar v180209 classification definitions. Collection method: clinical testing. Allele origin: germline. Observed: 1 variant allele, 1 heterozygote.

NM_022437.3(ABCG8):c.1852G>A (p.Gly618Arg)

Gene: ABCG8 (ATP binding cassette subfamily G member 8; plus strand). Cytogenetic location: 2p21.
Variant type: single nucleotide variant.
Coding change: c.1852G>A on transcript NM_022437.3 (MANE Select); coding-DNA position 1852, G replaced by A.
Protein change: p.Gly618Arg; replaces glycine 618 with arginine.
Molecular consequence: missense variant.
Genome position (GRCh38, 1-based): chr2:43,877,656, G>A. VCF-style: chr2-43877656-G-A. GRCh37 (hg19) VCF-style: chr2-44104795-G-A.
Other names: c.1849G>A, p.Gly617Arg (NM_001357321.2); short protein forms G618R, G617R.
Identifiers: ClinVar variation 598127 (VCV000598127.9), dbSNP rs200005264, ClinGen allele CA46474316.